The following is an entry in ClinVar:

NM_020708.5(SLC12A5):c.2938C>A (p.Pro980Thr)

Gene: SLC12A5 (solute carrier family 12 member 5; plus strand). Cytogenetic location: 20q13.12.
Variant type: single nucleotide variant.
Coding change: c.2938C>A on transcript NM_020708.5 (MANE Select); coding-DNA position 2938, C replaced by A.
Protein change: p.Pro980Thr; replaces proline 980 with threonine.
Molecular consequence: missense variant.
Genome position (GRCh38, 1-based): chr20:46,056,392, C>A. VCF-style: chr20-46056392-C-A. GRCh37 (hg19) VCF-style: chr20-44685031-C-A.
Other names: c.3007C>A, p.Pro1003Thr (NM_001134771.2); short protein forms P1003T, P980T.
Identifiers: ClinVar variation 1396778 (VCV001396778.6), dbSNP rs2145507934, ClinGen allele CA409207615.
Genomic context (GRCh38, chr20:46,056,392, plus strand): 5'-GACTCAACTGCCATCGCTTCATTCATCCCTCAGGTGCAGCTGATCCACGATCAGAGTGCT[C>A]CCAGCTGCCCCAGCAGCTCCCCGTCCCCAGGGGAGGAGCCTGAGGGGGAAGGGGAGACAG-3'
Protein context (NP_065759.1, residues 970-990): EVQLIHDQSA[Pro980Thr]SCPSSSPSPG

ClinVar aggregate classification (germline): Uncertain significance (1 of 4 stars; one submission).

Conditions:
Developmental and epileptic encephalopathy, 34 (DEE34). Also called: Early infantile epileptic encephalopathy 34; SLC12A5-Related Epilepsy of Infancy with Migrating Focal Seizures. Identifiers: Orphanet 293181, MedGen C4225257, MONDO:0014718, OMIM 616645.

Submission:

Labcorp Genetics (formerly Invitae), Labcorp
Classification: Uncertain significance for Developmental and epileptic encephalopathy, 34. Last evaluated: 2021-09-26. Review status: criteria provided, single submitter. Criteria: Invitae Variant Classification Sherloc (09022015). Collection method: clinical testing. Allele origin: germline.
Comment: In summary, the available evidence is currently insufficient to determine the role of this variant in disease. Therefore, it has been classified as a Variant of Uncertain Significance. Advanced modeling of protein sequence and biophysical properties (such as structural, functional, and spatial information, amino acid conservation, physicochemical variation, residue mobility, and thermodynamic stability) performed at Invitae indicates that this missense variant is not expected to disrupt SLC12A5 protein function. This variant has not been reported in the literature in individuals affected with SLC12A5-related conditions. This variant is not present in population databases (ExAC no frequency). This sequence change replaces proline with threonine at codon 980 of the SLC12A5 protein (p.Pro980Thr). The proline residue is moderately conserved and there is a small physicochemical difference between proline and threonine.